The following is an entry in ClinVar:

ClinVar aggregate classification (germline): Uncertain significance (1 of 4 stars; one submission).

Submission:

Mayo Clinic Laboratories, Mayo Clinic
Classification: Uncertain significance. Last evaluated: 2023-02-28. Review status: criteria provided, single submitter. Criteria: ACMG Guidelines, 2015. Collection method: clinical testing. Allele origin: germline. Observed: 1 variant allele.
Comment: PP4, PM2

NM_000097.7(CPOX):c.87G>T (p.Gln29His)

Genes: CPOX (coproporphyrinogen oxidase; minus strand), LOC129937121 (ATAC-STARR-seq lymphoblastoid silent region 14560; plus strand). Cytogenetic location: 3q11.2.
Variant type: single nucleotide variant.
Coding change: c.87G>T on transcript NM_000097.7 (MANE Select); coding-DNA position 87, G replaced by T.
Protein change: p.Gln29His; replaces glutamine 29 with histidine.
Molecular consequence: missense variant.
Genome position (GRCh38, 1-based): chr3:98,593,418, C>A on the plus strand (G>T on the coding strand, the complement: CPOX is on the minus strand). VCF-style: chr3-98593418-C-A. GRCh37 (hg19) VCF-style: chr3-98312262-C-A.
Other names: p.Gln29His; short protein forms Q29H.
Identifiers: ClinVar variation 2682842 (VCV002682842.1), dbSNP rs748129902, ClinGen allele CA353647175.